The following is an entry in ClinVar:

NM_024740.2(ALG9):c.388A>G (p.Ile130Val)

Gene: ALG9 (ALG9 alpha-1,2-mannosyltransferase; minus strand). Cytogenetic location: 11q23.1.
Variant type: single nucleotide variant.
Coding change: c.388A>G on transcript NM_024740.2 (MANE Select); coding-DNA position 388, A replaced by G.
Protein change: p.Ile130Val; replaces isoleucine 130 with valine.
Molecular consequence: missense variant. On other transcripts: 5 prime UTR variant (15), non-coding transcript variant (1).
Genome position (GRCh38, 1-based): chr11:111,868,619, T>C on the plus strand (A>G on the coding strand, the complement: ALG9 is on the minus strand). VCF-style: chr11-111868619-T-C. GRCh37 (hg19) VCF-style: chr11-111739342-T-C.
Other names: c.388A>G, p.Ile130Val (NM_001077690.1, NM_001352417.1, NM_001352418.1); c.-126A>G (NM_001077691.2, NM_001077692.2, NM_001352409.1 and 11 more transcripts); c.-344A>G (NM_001352422.2); short protein forms I130V.
Identifiers: ClinVar variation 1439379 (VCV001439379.6), dbSNP rs782298472, ClinGen allele CA6274684.

ClinVar aggregate classification (germline): Uncertain significance. Review status: criteria provided, multiple submitters, no conflicts (2 of 4 stars). 2 submissions from 2 submitters: Uncertain significance (2). Last evaluated 2025-04-08.

Conditions:
Inborn genetic diseases. Identifiers: MedGen C0950123, MeSH D030342.
ALG9 congenital disorder of glycosylation (CDG1L). Also called: CONGENITAL DISORDER OF GLYCOSYLATION, TYPE Il; CDG Il; ALG9-CDG. Identifiers: Orphanet 79328, MedGen C2931006, MONDO:0012117, OMIM 608776.

Allele frequency attached by ClinVar (database versions not stated): gnomAD exomes 0.00006 and 0.00002; ExAC 0.00002; gnomAD 0.00002; TOPMed 0.00003.
gnomAD v4.1: 40 of 1,613,914 alleles (0.0025%); highest among the groups gnomAD compares: Non-Finnish European, 0.00042%; no homozygotes.

Submissions (2):

Ambry Genetics
Classification: Uncertain significance for Inborn genetic diseases. Last evaluated: 2025-04-08. Review status: criteria provided, single submitter. Criteria: Ambry Variant Classification Scheme 2023. Collection method: clinical testing. Allele origin: germline.

Labcorp Genetics (formerly Invitae), Labcorp
Classification: Uncertain significance for ALG9 congenital disorder of glycosylation. Last evaluated: 2023-07-06. Review status: criteria provided, single submitter. Criteria: Invitae Variant Classification Sherloc (09022015). Collection method: clinical testing. Allele origin: germline.
Comment: Experimental studies and prediction algorithms are not available or were not evaluated, and the functional significance of this variant is currently unknown. ClinVar contains an entry for this variant (Variation ID: 1439379). This variant has not been reported in the literature in individuals affected with ALG9-related conditions. In summary, the available evidence is currently insufficient to determine the role of this variant in disease. Therefore, it has been classified as a Variant of Uncertain Significance. This variant is present in population databases (rs782298472, gnomAD 0.1%). This sequence change replaces isoleucine, which is neutral and non-polar, with valine, which is neutral and non-polar, at codon 130 of the ALG9 protein (p.Ile130Val).